The following is an entry in ClinVar:

NM_006790.3(MYOT):c.642C>A (p.Asn214Lys)

Genes: MYOT (myotilin; plus strand), PKD2L2-DT (PKD2L2 divergent transcript; minus strand). Cytogenetic location: 5q31.2.
Variant type: single nucleotide variant.
Coding change: c.642C>A on transcript NM_006790.3 (MANE Select); coding-DNA position 642, C replaced by A.
Protein change: p.Asn214Lys; replaces asparagine 214 with lysine.
Molecular consequence: missense variant.
Genome position (GRCh38, 1-based): chr5:137,880,824, C>A. VCF-style: chr5-137880824-C-A. GRCh37 (hg19) VCF-style: chr5-137216513-C-A.
Other names: c.90C>A, p.Asn30Lys (NM_001135940.2); c.297C>A, p.Asn99Lys (NM_001300911.2); short protein forms N214K, N30K, N99K.
Identifiers: ClinVar variation 1020719 (VCV001020719.7), dbSNP rs957169726, ClinGen allele CA128103869.
Genomic context (GRCh38, chr5:137,880,824, plus strand): 5'-CATTCAAGCTAACAATTGCATGTAAACATTCTTACTTTGTTTTAATTTCAAGCAACACAA[C>A]TCAGAACATGCGCGACTGCAAGTTCCTACATCACAAGTAAGGTAAAAAATTTTAATTTTA-3'
Protein context (NP_006781.1, residues 204-224): DSGAQDSQQH[Asn214Lys]SEHARLQVPT

ClinVar aggregate classification (germline): Uncertain significance (1 of 4 stars; one submission).

Conditions:
Myofibrillar myopathy 3 (MFM3). Also called: Muscular dystrophy, proximal, type 1A; Autosomal dominant spheroid body myopathy. Identifiers: Orphanet 266, Orphanet 268129, MedGen C3714934, MONDO:0012215, OMIM 609200.

Allele frequency attached by ClinVar (database versions not stated): gnomAD exomes 0.00002; TOPMed 0.00003; gnomAD 0.00005.
gnomAD v4.1: 92 of 1,612,554 alleles (0.0057%); highest among the groups gnomAD compares: Non-Finnish European, 0.0076%; no homozygotes.

Submission:

Labcorp Genetics (formerly Invitae), Labcorp
Classification: Uncertain significance for Myofibrillar myopathy 3. Last evaluated: 2025-03-17. Review status: criteria provided, single submitter. Criteria: Invitae Variant Classification Sherloc (09022015). Collection method: clinical testing. Allele origin: germline.
Comment: This sequence change replaces asparagine, which is neutral and polar, with lysine, which is basic and polar, at codon 214 of the MYOT protein (p.Asn214Lys). This variant is present in population databases (no rsID available, gnomAD 0.004%). This missense change has been observed in individual(s) with clinical features MYOT-related conditions (internal data). ClinVar contains an entry for this variant (Variation ID: 1020719). Invitae Evidence Modeling of protein sequence and biophysical properties (such as structural, functional, and spatial information, amino acid conservation, physicochemical variation, residue mobility, and thermodynamic stability) indicates that this missense variant is not expected to disrupt MYOT protein function with a negative predictive value of 80%. In summary, the available evidence is currently insufficient to determine the role of this variant in disease. Therefore, it has been classified as a Variant of Uncertain Significance.